The following is an entry in ClinVar:

ClinVar aggregate classification (germline): Uncertain significance. Review status: criteria provided, multiple submitters, no conflicts (2 of 4 stars). 2 submissions from 2 submitters: Uncertain significance (2). Last evaluated 2024-03-01.

Conditions:
Asphyxiating thoracic dystrophy 5 (SRTD5). Also called: SHORT-RIB THORACIC DYSPLASIA 5 WITHOUT POLYDACTYLY; SHORT-RIB THORACIC DYSPLASIA 5 WITH OR WITHOUT POLYDACTYLY. Identifiers: Orphanet 474, MedGen C3280598, MONDO:0013717, OMIM 614376.
Senior-Loken syndrome 8 (SLSN8). Identifiers: Orphanet 3156, MedGen C4225376, MONDO:0014579, OMIM 616307.

Allele frequency attached by ClinVar (database versions not stated): TOPMed 0.00002.
gnomAD v4.1: 14 of 1,418,054 alleles (0.00099%); highest among the groups gnomAD compares: African/African-American, 0.0015%; no homozygotes.

Submissions (2):

Blueprint Genetics
Classification: Uncertain significance. Last evaluated: 2024-03-01. Review status: criteria provided, single submitter. Criteria: ACMG Guidelines, 2015. Collection method: clinical testing. Allele origin: germline.

Labcorp Genetics (formerly Invitae), Labcorp
Classification: Uncertain significance for Senior-Loken syndrome 8; Asphyxiating thoracic dystrophy 5. Last evaluated: 2021-09-01. Review status: criteria provided, single submitter. Criteria: Invitae Variant Classification Sherloc (09022015). Collection method: clinical testing. Allele origin: germline.
Comment: This sequence change replaces asparagine with aspartic acid at codon 793 of the WDR19 protein (p.Asn793Asp). The asparagine residue is highly conserved and there is a small physicochemical difference between asparagine and aspartic acid. The frequency data for this variant in the population databases is considered unreliable, as metrics indicate poor data quality at this position in the ExAC database. This variant has not been reported in the literature in individuals affected with WDR19-related conditions. Algorithms developed to predict the effect of missense changes on protein structure and function (SIFT, PolyPhen-2, Align-GVGD) all suggest that this variant is likely to be tolerated. Algorithms developed to predict the effect of sequence changes on RNA splicing suggest that this variant may create or strengthen a splice site. In summary, the available evidence is currently insufficient to determine the role of this variant in disease. Therefore, it has been classified as a Variant of Uncertain Significance.

NM_025132.4(WDR19):c.2377A>G (p.Asn793Asp)

Gene: WDR19 (WD repeat domain 19; plus strand). Cytogenetic location: 4p14.
Variant type: single nucleotide variant.
Coding change: c.2377A>G on transcript NM_025132.4 (MANE Select); coding-DNA position 2377, A replaced by G.
Protein change: p.Asn793Asp; replaces asparagine 793 with aspartic acid.
Molecular consequence: missense variant.
Genome position (GRCh38, 1-based): chr4:39,240,290, A>G. VCF-style: chr4-39240290-A-G. GRCh37 (hg19) VCF-style: chr4-39241910-A-G.
Other names: c.1897A>G, p.Asn633Asp (NM_001317924.2); short protein forms N793D, N633D.
Identifiers: ClinVar variation 1402516 (VCV001402516.4), dbSNP rs780435361, ClinGen allele CA2892067.